The following is an entry in ClinVar:

ClinVar aggregate classification (germline): Uncertain significance (1 of 4 stars; one submission).

Submission:

CeGaT Center for Human Genetics Tuebingen
Classification: Uncertain significance. Last evaluated: 2023-01-01. Review status: criteria provided, single submitter. Criteria: CeGaT Center For Human Genetics Tuebingen Variant Classification Criteria Version 2. Collection method: clinical testing. Allele origin: germline. Affected: yes. Observed: 1 variant allele.
Comment: NTRK1: PM2, BP4

NM_002529.4(NTRK1):c.2319C>T (p.Ser773=)

Gene: NTRK1 (neurotrophic receptor tyrosine kinase 1; plus strand). Cytogenetic location: 1q23.1.
Variant type: single nucleotide variant.
Coding change: c.2319C>T on transcript NM_002529.4 (MANE Select); coding-DNA position 2319, C replaced by T.
Protein change: p.Ser773=; no amino-acid change (serine 773 retained).
Molecular consequence: synonymous variant.
Genome position (GRCh38, 1-based): chr1:156,881,570, C>T. VCF-style: chr1-156881570-C-T. GRCh37 (hg19) VCF-style: chr1-156851362-C-T.
Other names: c.2319C>T, p.Ser773= (NM_001007204.1); c.2211C>T, p.Ser737= (NM_001007792.1); c.2301C>T, p.Ser767= (NM_001012331.2).
Identifiers: ClinVar variation 2498435 (VCV002498435.28), dbSNP rs2102931250, ClinGen allele CA421140661.